The following is an entry in ClinVar:

NM_000836.4(GRIN2D):c.3512C>G (p.Pro1171Arg)

Gene: GRIN2D (glutamate ionotropic receptor NMDA type subunit 2D; plus strand). Cytogenetic location: 19q13.33.
Variant type: single nucleotide variant.
Coding change: c.3512C>G on transcript NM_000836.4 (MANE Select); coding-DNA position 3512, C replaced by G.
Protein change: p.Pro1171Arg; replaces proline 1171 with arginine.
Molecular consequence: missense variant.
Genome position (GRCh38, 1-based): chr19:48,443,438, C>G. VCF-style: chr19-48443438-C-G. GRCh37 (hg19) VCF-style: chr19-48946695-C-G.
Other names: c.3512C>G (NM_000836.2); short protein forms P1171R.
Identifiers: ClinVar variation 1502889 (VCV001502889.9), dbSNP rs776934120, ClinGen allele CA406676607.

ClinVar aggregate classification (germline): Uncertain significance. Review status: criteria provided, multiple submitters, no conflicts (2 of 4 stars). 2 submissions from 2 submitters: Uncertain significance (2). Last evaluated 2025-08-27.

Conditions:
Inborn genetic diseases. Identifiers: MedGen C0950123, MeSH D030342.

Allele frequency attached by ClinVar (database versions not stated): gnomAD 0.00004.
gnomAD v4.1: 33 of 1,387,358 alleles (0.0024%); highest among the groups gnomAD compares: East Asian, 0.083%; no homozygotes.

Submissions (2):

Ambry Genetics
Classification: Uncertain significance for Inborn genetic diseases. Last evaluated: 2025-08-27. Review status: criteria provided, single submitter. Criteria: Ambry Variant Classification Scheme 2023. Collection method: clinical testing. Allele origin: germline.

Labcorp Genetics (formerly Invitae), Labcorp
Classification: Uncertain significance. Last evaluated: 2024-04-05. Review status: criteria provided, single submitter. Criteria: Invitae Variant Classification Sherloc (09022015). Collection method: clinical testing. Allele origin: germline.
Comment: This sequence change replaces proline, which is neutral and non-polar, with arginine, which is basic and polar, at codon 1171 of the GRIN2D protein (p.Pro1171Arg). This variant is present in population databases (no rsID available, gnomAD 0.02%). This variant has not been reported in the literature in individuals affected with GRIN2D-related conditions. ClinVar contains an entry for this variant (Variation ID: 1502889). Advanced modeling of protein sequence and biophysical properties (such as structural, functional, and spatial information, amino acid conservation, physicochemical variation, residue mobility, and thermodynamic stability) performed at Invitae indicates that this missense variant is not expected to disrupt GRIN2D protein function with a negative predictive value of 95%. In summary, the available evidence is currently insufficient to determine the role of this variant in disease. Therefore, it has been classified as a Variant of Uncertain Significance.